The following is an entry in ClinVar:

NM_058216.3(RAD51C):c.380C>G (p.Pro127Arg)

Gene: RAD51C (RAD51 paralog C; plus strand). Cytogenetic location: 17q22.
Variant type: single nucleotide variant.
Coding change: c.380C>G on transcript NM_058216.3 (MANE Select); coding-DNA position 380, C replaced by G.
Protein change: p.Pro127Arg; replaces proline 127 with arginine.
Molecular consequence: missense variant. On other transcripts: non-coding transcript variant (2).
Genome position (GRCh38, 1-based): chr17:58,695,165, C>G. VCF-style: chr17-58695165-C-G. GRCh37 (hg19) VCF-style: chr17-56772526-C-G.
Other names: c.380C>G, p.Pro127Arg (NM_002876.4, NM_058217.1); short protein forms P127R.
Identifiers: ClinVar variation 1719290 (VCV001719290.5), dbSNP rs2143727110, ClinGen allele CA400341898.
Genomic context (GRCh38, chr17:58,695,165, plus strand): 5'-TAGATGATATTCTTGGGGGTGGAGTGCCCTTAATGAAAACAACAGAAATTTGTGGTGCAC[C>G]AGGTGTTGGAAAAACACAATTATGGTAAAATAAAGTGTTCTCCTTTTAAGGGTGGGTTTA-3'
Protein context (NP_478123.1, residues 117-137): LMKTTEICGA[Pro127Arg]GVGKTQLCMQ

ClinVar aggregate classification (germline): Uncertain significance (1 of 4 stars; one submission).

Conditions:
Fanconi anemia complementation group O. Also called: RAD51C-Related Fanconi Anemia. Identifiers: Orphanet 84, MedGen C3150653, MONDO:0013248, OMIM 613390.

Submission:

Labcorp Genetics (formerly Invitae), Labcorp
Classification: Uncertain significance for Fanconi anemia complementation group O. Last evaluated: 2022-09-13. Review status: criteria provided, single submitter. Criteria: Invitae Variant Classification Sherloc (09022015). Collection method: clinical testing. Allele origin: germline.
Comment: This variant is not present in population databases (gnomAD no frequency). This sequence change replaces proline, which is neutral and non-polar, with arginine, which is basic and polar, at codon 127 of the RAD51C protein (p.Pro127Arg). This variant has not been reported in the literature in individuals affected with RAD51C-related conditions. In summary, the available evidence is currently insufficient to determine the role of this variant in disease. Therefore, it has been classified as a Variant of Uncertain Significance. Advanced modeling of protein sequence and biophysical properties (such as structural, functional, and spatial information, amino acid conservation, physicochemical variation, residue mobility, and thermodynamic stability) performed at Invitae indicates that this missense variant is expected to disrupt RAD51C protein function.